The following is an entry in ClinVar:

ClinVar aggregate classification (germline): Conflicting classifications of pathogenicity. Review status: no assertion criteria provided (0 of 4 stars). 2 submissions from 2 submitters: Benign (1); conflicting data from submitters (1). Last evaluated 2014-07-18.

Submissions (2):

ISCA site 1
Classification: conflicting data from submitters. Last evaluated: 2014-07-18. Review status: no assertion criteria provided. Collection method: clinical testing. Allele origin: paternal, unknown, de novo, maternal. Affected: yes. Observed: 18 variant alleles. Clinical features observed: Developmental delay AND/OR other significant developmental or morphological phenotypes, Hydrocephalus (HP:0000238), Autism (HP:0000717), Cerebral palsy (HP:0100021), Microcephaly (HP:0000252), Encephalopathy (HP:0001298), Global developmental delay (HP:0001263), Bilateral ptosis (HP:0001488), Tetralogy of Fallot (HP:0001636), Aplasia/Hypoplasia of the nails (HP:0008386), Clinodactyly (HP:0030084), Hyperactivity (HP:0000752), and 1 more.
Comment: Uncertain significance(17), Likely benign (1)

Copy number variation identified through the course of routine clinical cytogenomic testing in postnatal populations, with clinical assertions as classified by the original submitter. For data from the original published study, Kaminsky, et al. 2011 (PubMed 21844811), please see nstd101.

ISCA site 4
Classification: Benign. Last evaluated: 2010-05-27. Review status: no assertion criteria provided. Collection method: clinical testing. Allele origin: unknown. Affected: yes. Observed: 2 variant alleles.

GRCh38/hg38 15q11.2(chr15:22572809-23066575)x1

Genes: CYFIP1 (cytoplasmic FMR1 interacting protein 1; minus strand), NIPA1 (NIPA magnesium transporter 1; plus strand), NIPA2 (NIPA magnesium transporter 2; plus strand), TUBGCP5 (tubulin gamma complex component 5; minus strand), LOC112272575 (Sharpr-MPRA regulatory region 8478; plus strand) and 15 more. Cytogenetic location: 15q11.2.
Variant type: copy number loss.
Change: copy number 1 (one copy instead of two) of chr15:22,572,809-23,066,575 (493.8 kb, GRCh38 coordinates, 1-based), cytogenetic band 15q11.2.
Identifiers: ClinVar variation 144192 (VCV000144192.4).